The following is an entry in ClinVar:

ClinVar aggregate classification (germline): Benign. Review status: criteria provided, multiple submitters, no conflicts (2 of 4 stars). 2 submissions from 2 submitters: Benign (2). Last evaluated 2018-01-12.

Conditions:
Pontoneocerebellar hypoplasia. Also called: Non-syndromic pontocerebellar hypoplasia; Pontocerebellar hypoplasia. Identifiers: Orphanet 98523, MedGen C1261175, MONDO:0020135.

Allele frequency attached by ClinVar (database versions not stated): gnomAD 0.03040 and 0.02881; 1000 Genomes Project 0.04752; TOPMed 0.03112; 1000 Genomes Project 30x 0.04856.

Submissions (2):

Illumina Laboratory Services, Illumina
Classification: Benign for Pontoneocerebellar hypoplasia. Last evaluated: 2018-01-12. Review status: criteria provided, single submitter. Criteria: ICSL Variant Classification Criteria 13 December 2019. Collection method: clinical testing. Allele origin: germline.
Comment: This variant was observed in the ICSL laboratory as part of a predisposition screen in an ostensibly healthy population. It had not been previously curated by ICSL or reported in the Human Gene Mutation Database (HGMD: prior to June 1st, 2018), and was therefore a candidate for classification through an automated scoring system. Utilizing variant allele frequency, disease prevalence and penetrance estimates, and inheritance mode, an automated score was calculated to assess if this variant is too frequent to cause the disease. Based on the score and internal cut-off values, a variant classified as benign is not then subjected to further curation. The score for this variant resulted in a classification of benign for this disease.

Breakthrough Genomics
Classification: Benign. Review status: criteria provided, single submitter. Criteria: ACMG Guidelines, 2015. Collection method: not provided. Allele origin: germline. Inheritance: Autosomal recessive inheritance. Affected: yes.

NM_001077446.4(TSEN34):c.*1128G>T

Gene: TSEN34 (tRNA splicing endonuclease subunit 34; plus strand). Cytogenetic location: 19q13.42.
Variant type: single nucleotide variant.
Coding change: c.*1128G>T on transcript NM_001077446.4 (MANE Select); 1128 bases downstream of the stop codon, G replaced by T.
Molecular consequence: 3 prime UTR variant.
Genome position (GRCh38, 1-based): chr19:54,194,490, G>T. VCF-style: chr19-54194490-G-T. GRCh37 (hg19) VCF-style: chr19-54698348-G-T.
Other names: c.*1128G>T (NM_001282332.2, NM_001386740.1, NM_024075.5); c.*819G>T (NM_001282333.2).
Identifiers: ClinVar variation 330150 (VCV000330150.6), dbSNP rs79447697, ClinGen allele CA309378269.